The following is an entry in ClinVar:

ClinVar aggregate classification (germline): Likely benign (1 of 4 stars; one submission).

Conditions:
White sponge nevus 2 (WSN2). Identifiers: MedGen C4014321, MONDO:0014346, OMIM 615785.

Allele frequency attached by ClinVar (database versions not stated): gnomAD 0.00001 and 0.00004; TOPMed 0.00001; gnomAD exomes 0.00002 and 0.00011; ExAC 0.00003; 1000 Genomes Project 30x 0.00016; 1000 Genomes Project 0.00020.
gnomAD v4.1: 165 of 1,614,254 alleles (0.01%); highest among the groups gnomAD compares: East Asian, 0.37%; 1 homozygote.

Submission:

Illumina Laboratory Services, Illumina
Classification: Likely benign for White sponge nevus 2. Last evaluated: 2018-01-13. Review status: criteria provided, single submitter. Criteria: ICSL Variant Classification Criteria 13 December 2019. Collection method: clinical testing. Allele origin: germline.
Comment: This variant was observed in the ICSL laboratory as part of a predisposition screen in an ostensibly healthy population. It had not been previously curated by ICSL or reported in the Human Gene Mutation Database (HGMD: prior to June 1st, 2018), and was therefore a candidate for classification through an automated scoring system. Utilizing variant allele frequency, disease prevalence and penetrance estimates, and inheritance mode, an automated score was calculated to assess if this variant is too frequent to cause the disease. Based on the score and internal cut-off values, a variant classified as likely benign is not then subjected to further curation. The score for this variant resulted in a classification of likely benign for this disease.

NM_153490.3(KRT13):c.9C>T (p.Leu3=)

Gene: KRT13 (keratin 13; minus strand). Cytogenetic location: 17q21.2.
Variant type: single nucleotide variant.
Coding change: c.9C>T on transcript NM_153490.3 (MANE Select); coding-DNA position 9, C replaced by T.
Protein change: p.Leu3=; no amino-acid change (leucine 3 retained).
Molecular consequence: synonymous variant.
Genome position (GRCh38, 1-based): chr17:41,505,542, G>A on the plus strand (C>T on the coding strand, the complement: KRT13 is on the minus strand). VCF-style: chr17-41505542-G-A. GRCh37 (hg19) VCF-style: chr17-39661794-G-A.
Other names: c.9C>T, p.Leu3= (NM_002274.4).
Identifiers: ClinVar variation 891434 (VCV000891434.4), dbSNP rs185787290, ClinGen allele CA8560892.